The following is an entry in ClinVar:

ClinVar aggregate classification (germline): Pathogenic (1 of 4 stars; one submission).

Submission:

Labcorp Genetics (formerly Invitae), Labcorp
Classification: Pathogenic. Last evaluated: 2021-05-04. Review status: criteria provided, single submitter. Criteria: Invitae Variant Classification Sherloc (09022015). Collection method: clinical testing. Allele origin: germline.
Comment: This sequence change creates a premature translational stop signal (p.Leu13Argfs*25) in the TPP1 gene. It is expected to result in an absent or disrupted protein product. Loss-of-function variants in TPP1 are known to be pathogenic (PMID: 10330339). For these reasons, this variant has been classified as Pathogenic. This variant has not been reported in the literature in individuals with TPP1-related conditions. This variant is not present in population databases (ExAC no frequency).

Literature cited by the submitters: PubMed 10330339.

NM_000391.4(TPP1):c.38_68del (p.Leu13fs)

Gene: TPP1 (tripeptidyl peptidase 1; minus strand). Cytogenetic location: 11p15.4.
Variant type: Deletion.
Coding change: c.38_68del on transcript NM_000391.4 (MANE Select); coding-DNA positions 38 to 68, 31 bases deleted.
Protein change: p.Leu13fs; shifts the reading frame from leucine 13.
Molecular consequence: frameshift variant.
Genome position (GRCh38, 1-based): chr11:6,619,217-6,619,247, 31 bases deleted; deleting any 31 consecutive bases within chr11:6,619,217-6,619,251 gives the same sequence; the c. name uses the placement nearest the transcript's 3' end. GRCh37 (hg19): chr11:6,640,452-6,640,482.
Other names: short protein forms L13fs.
Identifiers: ClinVar variation 1068518 (VCV001068518.7), dbSNP rs2134598751, ClinGen allele CA2499221191.